The following is an entry in ClinVar:

NM_000085.5(CLCNKB):c.1172G>A (p.Trp391Ter)

Genes: CLCNKB (chloride voltage-gated channel Kb; plus strand), LOC106501713 (CLCNKB recombination region; plus strand). Cytogenetic location: 1p36.13.
Variant type: single nucleotide variant.
Coding change: c.1172G>A on transcript NM_000085.5 (MANE Select); coding-DNA position 1172, G replaced by A.
Protein change: p.Trp391Ter; replaces tryptophan 391 with a stop codon.
Molecular consequence: nonsense.
Genome position (GRCh38, 1-based): chr1:16,050,993, G>A. VCF-style: chr1-16050993-G-A. GRCh37 (hg19) VCF-style: chr1-16377488-G-A.
Other names: c.665G>A, p.Trp222Ter (NM_001165945.2); c.1172G>A (NM_000085.4); short protein forms W222*, W391*.
Identifiers: ClinVar variation 2202706 (VCV002202706.5), dbSNP rs778485688, ClinGen allele CA623729.

ClinVar aggregate classification (germline): Pathogenic. Review status: criteria provided, multiple submitters, no conflicts (2 of 4 stars). 2 submissions from 2 submitters: Pathogenic (2). Last evaluated 2025-12-14.

Allele frequency attached by ClinVar (database versions not stated): gnomAD 0.00001; TOPMed 0.00001; ExAC 0.00002; gnomAD exomes 0.00003.
gnomAD v4.1: 37 of 1,613,924 alleles (0.0023%); highest among the groups gnomAD compares: East Asian, 0.0045%; no homozygotes.

Submissions (2):

Labcorp Genetics (formerly Invitae), Labcorp
Classification: Pathogenic. Last evaluated: 2025-12-14. Review status: criteria provided, single submitter. Criteria: Invitae Variant Classification Sherloc (09022015). Collection method: clinical testing. Allele origin: germline.
Comment: This sequence change creates a premature translational stop signal (p.Trp391*) in the CLCNKB gene. It is expected to result in an absent or disrupted protein product. Loss-of-function variants in CLCNKB are known to be pathogenic (PMID: 24830959, 26920127, 28381550, 29254190). This variant is present in population databases (rs778485688, gnomAD 0.007%). This premature translational stop signal has been observed in individual(s) with CLCNKB-related conditions (PMID: 20810575, 28381550, 31672324). ClinVar contains an entry for this variant (Variation ID: 2202706). For these reasons, this variant has been classified as Pathogenic.

GeneDx
Classification: Pathogenic. Last evaluated: 2023-03-15. Review status: criteria provided, single submitter. Criteria: GeneDx Variant Classification Process June 2021. Collection method: clinical testing. Allele origin: germline. Affected: yes.
Comment: Nonsense variant predicted to result in protein truncation or nonsense mediated decay in a gene for which loss of function is a known mechanism of disease; This variant is associated with the following publications: (PMID: 28381550, 31672324, 20810575)

Literature cited by the submitters: PubMed 24830959 (cited by Labcorp Genetics (formerly Invitae), Labcorp); PubMed 26920127 (cited by Labcorp Genetics (formerly Invitae), Labcorp); PubMed 28381550 (cited by Labcorp Genetics (formerly Invitae), Labcorp); PubMed 29254190 (cited by Labcorp Genetics (formerly Invitae), Labcorp); PubMed 20810575 (cited by Labcorp Genetics (formerly Invitae), Labcorp); PubMed 31672324 (cited by Labcorp Genetics (formerly Invitae), Labcorp).